The following is an entry in ClinVar:

ClinVar aggregate classification (germline): Uncertain significance (1 of 4 stars; one submission).

Conditions:
Hereditary cancer-predisposing syndrome. Also called: Neoplastic Syndromes, Hereditary; Tumor predisposition; Hereditary Cancer Syndrome; Hereditary neoplastic syndrome. Identifiers: Orphanet 140162, MedGen C0027672, MeSH D009386, MONDO:0015356.

Submission:

Ambry Genetics
Classification: Uncertain significance for Hereditary cancer-predisposing syndrome. Last evaluated: 2025-12-18. Review status: criteria provided, single submitter. Criteria: Ambry Variant Classification Scheme 2023. Collection method: clinical testing. Allele origin: germline.
Comment: The p.N415K variant (also known as c.1245T>A), located in coding exon 9 of the FH gene, results from a T to A substitution at nucleotide position 1245. The asparagine at codon 415 is replaced by lysine, an amino acid with similar properties. This amino acid position is conserved. In addition, the in silico prediction for this alteration is inconclusive. Based on the available evidence, the clinical significance of this variant remains unclear.

NM_000143.4(FH):c.1245T>A (p.Asn415Lys)

Gene: FH (fumarate hydratase; minus strand). Cytogenetic location: 1q43.
Variant type: single nucleotide variant.
Coding change: c.1245T>A on transcript NM_000143.4 (MANE Select); coding-DNA position 1245, T replaced by A.
Protein change: p.Asn415Lys; replaces asparagine 415 with lysine.
Molecular consequence: missense variant.
Genome position (GRCh38, 1-based): chr1:241,500,582, A>T on the plus strand (T>A on the coding strand, the complement: FH is on the minus strand). VCF-style: chr1-241500582-A-T. GRCh37 (hg19) VCF-style: chr1-241663882-A-T.
Other names: short protein forms N415K.
Identifiers: ClinVar variation 4843540 (VCV004843540.1).
Genomic context (GRCh38, chr1:241,500,582, plus strand): 5'-CACGCAGTTTTCTGTAAAGGAAACTGAAGCATCCCCCAGCAGCCTGGCTGAGTGTAACAC[A>T]TTTTTAATCTTTGAGTGAGTGAGAGAGAGAGAGAGAGAGAGAGAGAGAGAGAGAGAGACA-3'
Protein context (NP_000134.2, residues 405-425): LNVFKPMMIK[Asn415Lys]VLHSARLLGD